The following is an entry in ClinVar:

ClinVar aggregate classification (germline): Benign/Likely benign. Review status: criteria provided, multiple submitters, no conflicts (2 of 4 stars). 10 submissions from 10 submitters: Benign (1); Likely benign (7). 2 of the submissions do not count toward it. Last evaluated 2026-01-12.

Conditions:
Breast-ovarian cancer, familial, susceptibility to, 5 (BROVCA5). Identifiers: MedGen C5830615, MONDO:0957530, OMIM 620442.
Hereditary cancer-predisposing syndrome. Also called: Hereditary Cancer Syndrome; Hereditary neoplastic syndrome; Tumor predisposition; Neoplastic Syndromes, Hereditary. Identifiers: Orphanet 140162, MedGen C0027672, MeSH D009386, MONDO:0015356.
Familial cancer of breast. Also called: BREAST CANCER, FAMILIAL; hereditary breast carcinoma; Hereditary breast cancer. Identifiers: Orphanet 227535, MedGen C0346153, MONDO:0016419, OMIM 114480. Disease mechanism: loss of function.

Allele frequency attached by ClinVar (database versions not stated): gnomAD exomes below 0.00001 and 0.00003; ExAC 0.00001; gnomAD 0.00001; TOPMed 0.00001; ESP Exome Variant Server 0.00008.
gnomAD v4.1: 42 of 1,614,098 alleles (0.0026%); highest among the groups gnomAD compares: Non-Finnish European, 0.0033%; no homozygotes.

Submissions (10):

Labcorp Genetics (formerly Invitae), Labcorp
Classification: Likely benign for Familial cancer of breast. Last evaluated: 2026-01-12. Review status: criteria provided, single submitter. Criteria: Invitae Variant Classification Sherloc (09022015). Collection method: clinical testing. Allele origin: germline.

Myriad Genetics, Inc.
Classification: Benign for Familial cancer of breast. Last evaluated: 2023-03-31. Review status: criteria provided, single submitter. Criteria: Myriad Autosomal Dominant, Autosomal Recessive and X-Linked Classification Criteria (2023). Collection method: clinical testing. Allele origin: unknown.
Comment: This variant is considered benign. This variant is a silent/synonymous amino acid change and it is not expected to impact splicing.

Department of Pathology and Laboratory Medicine, Sinai Health System
Classification: Likely benign for Breast-ovarian cancer, familial, susceptibility to, 5. Last evaluated: 2021-10-26. Review status: criteria provided, single submitter. Criteria: ACMG Guidelines, 2015. Collection method: clinical testing. Allele origin: germline. Affected: yes.

Quest Diagnostics Nichols Institute San Juan Capistrano
Classification: Likely benign. Last evaluated: 2021-06-23. Review status: criteria provided, single submitter. Criteria: Quest Diagnostics criteria. Collection method: clinical testing. Allele origin: unknown.

GeneDx
Classification: Likely benign. Last evaluated: 2021-03-22. Review status: criteria provided, single submitter. Criteria: GeneDx Variant Classification Process June 2021. Collection method: clinical testing. Allele origin: germline. Affected: yes.
Comment: This variant is associated with the following publications: (PMID: 21285249)

ARUP Laboratories, Molecular Genetics and Genomics, ARUP Laboratories
Classification: Likely benign. Last evaluated: 2019-12-17. Review status: criteria provided, single submitter. Criteria: ARUP Molecular Germline Variant Investigation Process. Collection method: clinical testing. Allele origin: germline.

Color Diagnostics, LLC DBA Color Health
Classification: Likely benign for Hereditary cancer-predisposing syndrome. Last evaluated: 2016-12-22. Review status: criteria provided, single submitter. Criteria: ACMG Guidelines, 2015. Collection method: clinical testing. Allele origin: germline.

Ambry Genetics
Classification: Likely benign for Hereditary cancer-predisposing syndrome. Last evaluated: 2015-03-02. Review status: criteria provided, single submitter. Criteria: Ambry Variant Classification Scheme 2023. Collection method: clinical testing. Allele origin: germline.

Leiden Open Variation Database
Classification: Likely benign for Familial cancer of breast. Last evaluated: 2019-05-13. Review status: no assertion criteria provided. Collection method: curation. Allele origin: germline. Affected: yes. Not counted in ClinVar's aggregate classification.
Comment: Curators: Marc Tischkowitz, Arleen D. Auerbach. Submitter to LOVD: Marc Tischkowitz.

Counsyl
Classification: Likely benign for Familial cancer of breast. Last evaluated: 2016-08-26. Review status: no assertion criteria provided. Collection method: clinical testing. Allele origin: unknown. Not counted in ClinVar's aggregate classification.

Literature cited by the submitters: PubMed 21285249 (cited by 4 submitters).

NM_024675.4(PALB2):c.3483T>C (p.Phe1161=)

Gene: PALB2 (partner and localizer of BRCA2; minus strand). Cytogenetic location: 16p12.2.
Variant type: single nucleotide variant.
Coding change: c.3483T>C on transcript NM_024675.4 (MANE Select); coding-DNA position 3483, T replaced by C.
Protein change: p.Phe1161=; no amino-acid change (phenylalanine 1161 retained).
Molecular consequence: synonymous variant.
Genome position (GRCh38, 1-based): chr16:23,603,537, A>G on the plus strand (T>C on the coding strand, the complement: PALB2 is on the minus strand). VCF-style: chr16-23603537-A-G. GRCh37 (hg19) VCF-style: chr16-23614858-A-G.
Identifiers: ClinVar variation 126744 (VCV000126744.32), dbSNP rs372686500, ClinGen allele CA187303.